The following is an entry in ClinVar:

NM_173551.5(ANKS6):c.1286G>A (p.Ser429Asn)

Gene: ANKS6 (ankyrin repeat and sterile alpha motif domain containing 6; minus strand). Cytogenetic location: 9q22.33.
Variant type: single nucleotide variant.
Coding change: c.1286G>A on transcript NM_173551.5 (MANE Select); coding-DNA position 1286, G replaced by A.
Protein change: p.Ser429Asn; replaces serine 429 with asparagine.
Molecular consequence: missense variant.
Genome position (GRCh38, 1-based): chr9:98,780,271, C>T on the plus strand (G>A on the coding strand, the complement: ANKS6 is on the minus strand). VCF-style: chr9-98780271-C-T. GRCh37 (hg19) VCF-style: chr9-101542553-C-T.
Other names: short protein forms S429N.
Identifiers: ClinVar variation 3898443 (VCV003898443.7).
Genomic context (GRCh38, chr9:98,780,271, plus strand): 5'-GGCAGCACTGGGATGCTCCAGGGCTGTCGGACCTTCGAGTGGGGCAGGGGAGGCTGGTGG[C>T]TCGGCCGGCCTTTGTCTTTATTCACCTGCATGCAGACAGATGCCAGCAGTCGAACAAGTT-3'
Protein context (NP_775822.3, residues 419-439): MQVNKDKGRP[Ser429Asn]HQPPLPHSKV

ClinVar aggregate classification (germline): Uncertain significance (1 of 4 stars; one submission).

gnomAD v4.1: 1 of 1,612,480 alleles (0.000062%); no homozygotes.

Submission:

CeGaT Center for Human Genetics Tuebingen
Classification: Uncertain significance. Last evaluated: 2025-04-01. Review status: criteria provided, single submitter. Criteria: CeGaT Center For Human Genetics Tuebingen Variant Classification Criteria Version 2. Collection method: clinical testing. Allele origin: germline. Affected: yes. Observed: 1 variant allele.
Comment: ANKS6: PM2, BP4